The following is an entry in ClinVar:

ClinVar aggregate classification (germline): Uncertain significance. Review status: criteria provided, multiple submitters, no conflicts (2 of 4 stars). 2 submissions from 2 submitters: Uncertain significance (2). Last evaluated 2023-12-25.

Conditions:
Cardiovascular phenotype. Identifiers: MedGen CN230736.

Submissions (2):

Ambry Genetics
Classification: Uncertain significance for Cardiovascular phenotype. Last evaluated: 2023-12-25. Review status: criteria provided, single submitter. Criteria: Ambry Variant Classification Scheme 2023. Collection method: clinical testing. Allele origin: germline.
Comment: The p.E1554V variant (also known as c.4661A>T), located in coding exon 31 of the MYH6 gene, results from an A to T substitution at nucleotide position 4661. The glutamic acid at codon 1554 is replaced by valine, an amino acid with dissimilar properties. This amino acid position is conserved. In addition, the in silico prediction for this alteration is inconclusive. Since supporting evidence is limited at this time, the clinical significance of this alteration remains unclear.

GeneDx
Classification: Uncertain significance. Last evaluated: 2022-04-29. Review status: criteria provided, single submitter. Criteria: GeneDx Variant Classification Process June 2021. Collection method: clinical testing. Allele origin: germline. Affected: yes.
Comment: Not observed at significant frequency in large population cohorts (gnomAD); In silico analysis supports that this missense variant has a deleterious effect on protein structure/function; Has not been previously published as pathogenic or benign to our knowledge

NM_002471.4(MYH6):c.4661A>T (p.Glu1554Val)

Genes: MYH6 (myosin heavy chain 6; minus strand), LOC126861896 (BRD4-independent group 4 enhancer GRCh37_chr14:23854904-23856103; plus strand). Cytogenetic location: 14q11.2.
Variant type: single nucleotide variant.
Coding change: c.4661A>T on transcript NM_002471.4 (MANE Select); coding-DNA position 4661, A replaced by T.
Protein change: p.Glu1554Val; replaces glutamic acid 1554 with valine.
Molecular consequence: missense variant.
Genome position (GRCh38, 1-based): chr14:23,386,613, T>A on the plus strand (A>T on the coding strand, the complement: MYH6 is on the minus strand). VCF-style: chr14-23386613-T-A. GRCh37 (hg19) VCF-style: chr14-23855822-T-A.
Other names: short protein forms E1554V.
Identifiers: ClinVar variation 1712716 (VCV001712716.3), dbSNP rs2502144371, ClinGen allele CA388993357.